The following is an entry in ClinVar:

NM_013372.7(GREM1):c.143A>T (p.Gln48Leu)

Gene: GREM1 (gremlin 1, DAN family BMP antagonist; plus strand). Cytogenetic location: 15q13.3.
Variant type: single nucleotide variant.
Coding change: c.143A>T on transcript NM_013372.7 (MANE Select); coding-DNA position 143, A replaced by T.
Protein change: p.Gln48Leu; replaces glutamine 48 with leucine.
Molecular consequence: missense variant. On other transcripts: intron variant (2).
Genome position (GRCh38, 1-based): chr15:32,730,833, A>T. VCF-style: chr15-32730833-A-T. GRCh37 (hg19) VCF-style: chr15-33023034-A-T.
Other names: c.143A>T, p.Gln48Leu (NM_001368719.1); c.114+29A>T (NM_001191323.2); c.28-95A>T (NM_001191322.2); short protein forms Q48L.
Identifiers: ClinVar variation 1772675 (VCV001772675.3), dbSNP rs770819924, ClinGen allele CA7456115.

ClinVar aggregate classification (germline): Uncertain significance (1 of 4 stars; one submission).

Conditions:
Hereditary cancer-predisposing syndrome. Also called: Hereditary Cancer Syndrome; Hereditary neoplastic syndrome; Neoplastic Syndromes, Hereditary; Tumor predisposition. Identifiers: Orphanet 140162, MedGen C0027672, MeSH D009386, MONDO:0015356.

Allele frequency attached by ClinVar (database versions not stated): ExAC 0.00001.
gnomAD v4.1: 2 of 1,613,856 alleles (0.00012%); highest among the groups gnomAD compares: Non-Finnish European, 0.00017%; no homozygotes.

Submission:

Ambry Genetics
Classification: Uncertain significance for Hereditary cancer-predisposing syndrome. Last evaluated: 2024-05-19. Review status: criteria provided, single submitter. Criteria: Ambry Variant Classification Scheme 2023. Collection method: clinical testing. Allele origin: germline.
Comment: The p.Q48L variant (also known as c.143A>T), located in coding exon 1 of the GREM1 gene, results from an A to T substitution at nucleotide position 143. The glutamine at codon 48 is replaced by leucine, an amino acid with dissimilar properties. This amino acid position is conserved. In addition, this alteration is predicted to be tolerated by in silico analysis. Since supporting evidence is limited at this time, the clinical significance of this alteration remains unclear.